The following is an entry in ClinVar:

NM_032833.5(PPP1R15B):c.1075G>A (p.Glu359Lys)

Gene: PPP1R15B (protein phosphatase 1 regulatory subunit 15B; minus strand). Cytogenetic location: 1q32.1.
Variant type: single nucleotide variant.
Coding change: c.1075G>A on transcript NM_032833.5 (MANE Select); coding-DNA position 1075, G replaced by A.
Protein change: p.Glu359Lys; replaces glutamic acid 359 with lysine.
Molecular consequence: missense variant.
Genome position (GRCh38, 1-based): chr1:204,410,337, C>T on the plus strand (G>A on the coding strand, the complement: PPP1R15B is on the minus strand). VCF-style: chr1-204410337-C-T. GRCh37 (hg19) VCF-style: chr1-204379465-C-T.
Other names: short protein forms E359K.
Identifiers: ClinVar variation 4748982 (VCV004748982.1).

ClinVar aggregate classification (germline): Uncertain significance (1 of 4 stars; one submission).

gnomAD v4.1: 45 of 1,614,128 alleles (0.0028%); highest among the groups gnomAD compares: Non-Finnish European, 0.0036%; no homozygotes.

Submission:

Labcorp Genetics (formerly Invitae), Labcorp
Classification: Uncertain significance. Last evaluated: 2026-01-01. Review status: criteria provided, single submitter. Criteria: Invitae Variant Classification Sherloc (09022015). Collection method: clinical testing. Allele origin: germline.
Comment: This sequence change replaces glutamic acid, which is acidic and polar, with lysine, which is basic and polar, at codon 359 of the PPP1R15B protein (p.Glu359Lys). This variant is present in population databases (rs750735589, gnomAD 0.003%). This variant has not been reported in the literature in individuals affected with PPP1R15B-related conditions. Invitae Evidence Modeling of protein sequence and biophysical properties (such as structural, functional, and spatial information, amino acid conservation, physicochemical variation, residue mobility, and thermodynamic stability) indicates that this missense variant is not expected to disrupt PPP1R15B protein function with a negative predictive value of 80%. In summary, the available evidence is currently insufficient to determine the role of this variant in disease. Therefore, it has been classified as a Variant of Uncertain Significance.